The following is an entry in ClinVar:

NM_001330260.2(SCN8A):c.3957C>T (p.Ala1319=)

Gene: SCN8A (sodium voltage-gated channel alpha subunit 8; plus strand). Cytogenetic location: 12q13.13.
Variant type: single nucleotide variant.
Coding change: c.3957C>T on transcript NM_001330260.2 (MANE Select); coding-DNA position 3957, C replaced by T.
Protein change: p.Ala1319=; no amino-acid change (alanine 1319 retained).
Molecular consequence: synonymous variant.
Genome position (GRCh38, 1-based): chr12:51,786,556, C>T. VCF-style: chr12-51786556-C-T. GRCh37 (hg19) VCF-style: chr12-52180340-C-T.
Other names: c.3834C>T, p.Ala1278= (NM_001177984.3, NM_001369788.1); c.3957C>T, p.Ala1319= (NM_014191.4).
Identifiers: ClinVar variation 381502 (VCV000381502.48), dbSNP rs764790057, ClinGen allele CA6571743.
Genomic context (GRCh38, chr12:51,786,556, plus strand): 5'-GCTCTCATTTCCACCCAACACTGAGCAACCTCCCCTTCCAATGCAGGTGGTGGTGAATGC[C>T]TTGGTGGGCGCCATCCCCTCCATCATGAATGTGCTGCTGGTGTGTCTCATCTTCTGGCTG-3'
Protein context (NP_001317189.1, residues 1309-1329): RFEGMRVVVN[Ala1319=]LVGAIPSIMN

ClinVar aggregate classification (germline): Benign/Likely benign. Review status: criteria provided, multiple submitters, no conflicts (2 of 4 stars). 9 submissions from 9 submitters: Benign (1); Likely benign (5). 3 of the submissions do not count toward it. Last evaluated 2026-09-01.

Conditions:
Inborn genetic diseases. Identifiers: MedGen C0950123, MeSH D030342.
Early-infantile DEE. Also called: Early infantile epileptic encephalopathy with suppression bursts; Early infantile epileptic encephalopathy; Ohtahara syndrome. Identifiers: Orphanet 1934, MedGen C0393706, MONDO:0800491.

Allele frequency attached by ClinVar (database versions not stated): gnomAD 0.00003 and 0.00005; TOPMed 0.00004; gnomAD exomes 0.00029; ExAC 0.00030.
gnomAD v4.1: 249 of 1,614,024 alleles (0.015%); highest among the groups gnomAD compares: South Asian, 0.15%; 4 homozygotes.

Submissions (9):

CeGaT Center for Human Genetics Tuebingen
Classification: Likely benign. Last evaluated: 2026-09-01. Review status: criteria provided, single submitter. Criteria: CeGaT Center For Human Genetics Tuebingen Variant Classification Criteria Version 2. Collection method: clinical testing. Allele origin: germline. Affected: yes. Observed: 7 variant alleles.
Comment: SCN8A: BP4, BS1

Labcorp Genetics (formerly Invitae), Labcorp
Classification: Benign for Early-infantile DEE. Last evaluated: 2025-11-23. Review status: criteria provided, single submitter. Criteria: Invitae Variant Classification Sherloc (09022015). Collection method: clinical testing. Allele origin: germline.

Blueprint Genetics
Classification: Likely benign. Last evaluated: 2024-11-12. Review status: criteria provided, single submitter. Criteria: ACMG Guidelines, 2015. Collection method: clinical testing. Allele origin: germline.

GeneDx
Classification: Likely benign. Last evaluated: 2019-11-20. Review status: criteria provided, single submitter. Criteria: GeneDx Variant Classification Process June 2021. Collection method: clinical testing. Allele origin: germline. Affected: yes.

Ambry Genetics
Classification: Likely benign for Inborn genetic diseases. Last evaluated: 2017-09-29. Review status: criteria provided, single submitter. Criteria: Ambry Variant Classification Scheme 2023. Collection method: clinical testing. Allele origin: germline.

Breakthrough Genomics
Classification: Likely benign. Review status: criteria provided, single submitter. Criteria: ACMG Guidelines, 2015. Collection method: not provided. Allele origin: germline. Inheritance: Autosomal dominant inheritance. Affected: yes.

Clinical Genetics DNA and cytogenetics Diagnostics Lab, Erasmus MC, Erasmus Medical Center
Classification: Likely benign. Review status: no assertion criteria provided. Collection method: clinical testing. Allele origin: germline. Affected: yes. Study: VKGL Data-share Consensus. Not counted in ClinVar's aggregate classification.

Genome Diagnostics Laboratory, University Medical Center Utrecht
Classification: Likely benign. Review status: no assertion criteria provided. Collection method: clinical testing. Allele origin: germline. Affected: yes. Study: VKGL Data-share Consensus. Not counted in ClinVar's aggregate classification.

Joint Genome Diagnostic Labs from Nijmegen and Maastricht, Radboudumc and MUMC+
Classification: Likely benign. Review status: no assertion criteria provided. Collection method: clinical testing. Allele origin: germline. Affected: yes. Study: VKGL Data-share Consensus. Not counted in ClinVar's aggregate classification.